The following is an entry in ClinVar:

ClinVar aggregate classification (germline): Uncertain significance (1 of 4 stars; one submission).

Conditions:
Inborn genetic diseases. Identifiers: MedGen C0950123, MeSH D030342.

gnomAD v4.1: 2 of 1,613,762 alleles (0.00012%); highest among the groups gnomAD compares: African/African-American, 0.0027%; no homozygotes.

Submission:

Ambry Genetics
Classification: Uncertain significance for Inborn genetic diseases. Last evaluated: 2025-03-31. Review status: criteria provided, single submitter. Criteria: Ambry Variant Classification Scheme 2023. Collection method: clinical testing. Allele origin: germline.
Comment: The p.H757R variant (also known as c.2270A>G), located in coding exon 13 of the FANCM gene, results from an A to G substitution at nucleotide position 2270. The histidine at codon 757 is replaced by arginine, an amino acid with highly similar properties. This amino acid position is conserved. In addition, this alteration is predicted to be tolerated by in silico analysis. Based on the available evidence, the clinical significance of this variant remains unclear.

NM_020937.4(FANCM):c.2270A>G (p.His757Arg)

Gene: FANCM (FA complementation group M; plus strand). Cytogenetic location: 14q21.2.
Variant type: single nucleotide variant.
Coding change: c.2270A>G on transcript NM_020937.4 (MANE Select); coding-DNA position 2270, A replaced by G.
Protein change: p.His757Arg; replaces histidine 757 with arginine.
Molecular consequence: missense variant.
Genome position (GRCh38, 1-based): chr14:45,173,164, A>G. VCF-style: chr14-45173164-A-G. GRCh37 (hg19) VCF-style: chr14-45642367-A-G.
Other names: c.2192A>G, p.His731Arg (NM_001308133.2); short protein forms H757R, H731R.
Identifiers: ClinVar variation 4022640 (VCV004022640.1).
Genomic context (GRCh38, chr14:45,173,164, plus strand): 5'-GACTGTGGCAAGATCATCCTTTGCCTACACATCAAGTTGATCACTCAGATCGATGCCGCC[A>G]TTTTATAGGCCTTATGCAAATGATAGAGGGAATGAGACACGAAGAGGTGGGGTTTTATTG-3'
Protein context (NP_065988.1, residues 747-767): HQVDHSDRCR[His757Arg]FIGLMQMIEG